The following is an entry in ClinVar:

NM_032130.3(FAM186B):c.2065C>T (p.Arg689Cys)

Gene: FAM186B (family with sequence similarity 186 member B; minus strand). Cytogenetic location: 12q13.12.
Variant type: single nucleotide variant.
Coding change: c.2065C>T on transcript NM_032130.3 (MANE Select); coding-DNA position 2065, C replaced by T.
Protein change: p.Arg689Cys; replaces arginine 689 with cysteine.
Molecular consequence: missense variant. On other transcripts: non-coding transcript variant (1).
Genome position (GRCh38, 1-based): chr12:49,599,575, G>A on the plus strand (C>T on the coding strand, the complement: FAM186B is on the minus strand). VCF-style: chr12-49599575-G-A. GRCh37 (hg19) VCF-style: chr12-49993358-G-A.
Other names: short protein forms R689C.
Identifiers: ClinVar variation 3092184 (VCV003092184.2), dbSNP rs376783093, ClinGen allele CA6554574.
Genomic context (GRCh38, chr12:49,599,575, plus strand): 5'-ACTGCAGCCTGAGCGCGCCCAGCTCCATGGTGGTGGTGGTGAGCTCCAGTGCTTTGCTGC[G>A]CAGGTAGTGGGGCAGCCTCAACTCAGACTCCTCACTCAGGAGCTGCAGGTTCTTCCTCTG-3'
Protein context (NP_115506.1, residues 679-699): ESELRLPHYL[Arg689Cys]SKALELTTTT

ClinVar aggregate classification (germline): Uncertain significance. Review status: criteria provided, multiple submitters, no conflicts (2 of 4 stars). 2 submissions from 2 submitters: Uncertain significance (2). Last evaluated 2025-04-12.

Allele frequency attached by ClinVar (database versions not stated): gnomAD exomes 0.00002; ExAC 0.00003; gnomAD 0.00003; TOPMed 0.00003; ESP Exome Variant Server 0.00008.
gnomAD v4.1: 36 of 1,612,532 alleles (0.0022%); highest among the groups gnomAD compares: Middle Eastern, 0.016%; no homozygotes.

Submissions (2):

Labcorp Genetics (formerly Invitae), Labcorp
Classification: Uncertain significance. Last evaluated: 2025-04-12. Review status: criteria provided, single submitter. Criteria: Invitae Variant Classification Sherloc (09022015). Collection method: clinical testing. Allele origin: germline.
Comment: This sequence change replaces arginine, which is basic and polar, with cysteine, which is neutral and slightly polar, at codon 689 of the FAM186B protein (p.Arg689Cys). This variant is present in population databases (rs376783093, gnomAD 0.03%). This variant has not been reported in the literature in individuals affected with FAM186B-related conditions. ClinVar contains an entry for this variant (Variation ID: 3092184). An algorithm developed to predict the effect of missense changes on protein structure and function outputs the following: PolyPhen-2: "Benign". The cysteine amino acid residue is found in multiple mammalian species, which suggests that this missense change does not adversely affect protein function. In summary, the available evidence is currently insufficient to determine the role of this variant in disease. Therefore, it has been classified as a Variant of Uncertain Significance.

Ambry Genetics
Classification: Uncertain significance. Last evaluated: 2024-03-12. Review status: criteria provided, single submitter. Criteria: Ambry Variant Classification Scheme 2023. Collection method: clinical testing. Allele origin: germline.